The following is an entry in ClinVar:

NM_016222.4(DDX41):c.655C>T (p.Arg219Cys)

Gene: DDX41 (DEAD-box helicase 41; minus strand). Cytogenetic location: 5q35.3.
Variant type: single nucleotide variant.
Coding change: c.655C>T on transcript NM_016222.4 (MANE Select); coding-DNA position 655, C replaced by T.
Protein change: p.Arg219Cys; replaces arginine 219 with cysteine.
Molecular consequence: missense variant.
Genome position (GRCh38, 1-based): chr5:177,515,059, G>A on the plus strand (C>T on the coding strand, the complement: DDX41 is on the minus strand). VCF-style: chr5-177515059-G-A. GRCh37 (hg19) VCF-style: chr5-176942060-G-A.
Other names: c.277C>T, p.Arg93Cys (NM_001321732.2, NM_001321830.2); short protein forms R93C, R219C.
Identifiers: ClinVar variation 1938763 (VCV001938763.9), dbSNP rs1162015461, ClinGen allele CA362375483.

ClinVar aggregate classification (germline): Conflicting classifications of pathogenicity. Review status: criteria provided, conflicting classifications (1 of 4 stars). 3 submissions from 3 submitters: Likely pathogenic (1); Uncertain significance (2). Last evaluated 2026-02-02.

Conditions:
Inborn genetic diseases. Identifiers: MedGen C0950123, MeSH D030342.

Allele frequency attached by ClinVar (database versions not stated): gnomAD 0.00001; TOPMed 0.00002.
gnomAD v4.1: 4 of 1,612,728 alleles (0.00025%); highest among the groups gnomAD compares: East Asian, 0.0022%; no homozygotes.

Submissions (3):

GeneDx
Classification: Likely pathogenic. Last evaluated: 2026-02-02. Review status: criteria provided, single submitter. Criteria: GeneDx Variant Classification Process June 2021. Collection method: clinical testing. Allele origin: germline.
Comment: Not observed at significant frequency in large population cohorts (gnomAD); In silico analysis supports that this missense variant has a deleterious effect on protein structure/function; Has not been previously published as pathogenic or benign to our knowledge; This variant is associated with the following publications: (PMID: 27721487)

Ambry Genetics
Classification: Uncertain significance for Inborn genetic diseases. Last evaluated: 2024-11-22. Review status: criteria provided, single submitter. Criteria: Ambry Variant Classification Scheme 2023. Collection method: clinical testing. Allele origin: germline.
Comment: The p.R219C variant (also known as c.655C>T), located in coding exon 8 of the DDX41 gene, results from a C to T substitution at nucleotide position 655. The arginine at codon 219 is replaced by cysteine, an amino acid with highly dissimilar properties. This amino acid position is conserved. In addition, the in silico prediction for this alteration is inconclusive. Based on the available evidence, the clinical significance of this variant remains unclear.

Labcorp Genetics (formerly Invitae), Labcorp
Classification: Uncertain significance. Last evaluated: 2023-12-18. Review status: criteria provided, single submitter. Criteria: Invitae Variant Classification Sherloc (09022015). Collection method: clinical testing. Allele origin: germline.
Comment: This sequence change replaces arginine, which is basic and polar, with cysteine, which is neutral and slightly polar, at codon 219 of the DDX41 protein (p.Arg219Cys). This variant is not present in population databases (gnomAD no frequency). This variant has not been reported in the literature in individuals affected with DDX41-related conditions. ClinVar contains an entry for this variant (Variation ID: 1938763). An algorithm developed to predict the effect of missense changes on protein structure and function (PolyPhen-2) suggests that this variant is likely to be tolerated. In summary, the available evidence is currently insufficient to determine the role of this variant in disease. Therefore, it has been classified as a Variant of Uncertain Significance.